The following is an entry in ClinVar:

ClinVar aggregate classification (germline): Uncertain significance. Review status: criteria provided, multiple submitters, no conflicts (2 of 4 stars). 2 submissions from 2 submitters: Uncertain significance (2). Last evaluated 2025-08-11.

Conditions:
Inborn genetic diseases. Identifiers: MedGen C0950123, MeSH D030342.

gnomAD v4.1: 6 of 1,554,164 alleles (0.00039%); highest among the groups gnomAD compares: African/African-American, 0.0027%; no homozygotes.

Submissions (2):

GeneDx
Classification: Uncertain significance. Last evaluated: 2025-08-11. Review status: criteria provided, single submitter. Criteria: GeneDx Variant Classification Process June 2021. Collection method: clinical testing. Allele origin: germline.
Comment: In silico analysis suggests that this missense variant does not alter protein structure/function; Has not been previously published as pathogenic or benign to our knowledge

Ambry Genetics
Classification: Uncertain significance for Inborn genetic diseases. Last evaluated: 2025-06-18. Review status: criteria provided, single submitter. Criteria: Ambry Variant Classification Scheme 2023. Collection method: clinical testing. Allele origin: germline.

NM_000260.4(MYO7A):c.1495A>G (p.Ile499Val)

Gene: MYO7A (myosin VIIA; plus strand). Cytogenetic location: 11q13.5.
Variant type: single nucleotide variant.
Coding change: c.1495A>G on transcript NM_000260.4 (MANE Select); coding-DNA position 1495, A replaced by G.
Protein change: p.Ile499Val; replaces isoleucine 499 with valine.
Molecular consequence: missense variant.
Genome position (GRCh38, 1-based): chr11:77,162,271, A>G. VCF-style: chr11-77162271-A-G. GRCh37 (hg19) VCF-style: chr11-76873317-A-G.
Other names: c.1495A>G, p.Ile499Val (NM_001127180.2); c.1462A>G, p.Ile488Val (NM_001369365.1); short protein forms I488V, I499V.
Identifiers: ClinVar variation 3902990 (VCV003902990.3).